The following is an entry in ClinVar:

NM_194277.3(FRMD7):c.906-2A>G

Gene: FRMD7 (FERM domain containing 7; minus strand). Cytogenetic location: Xq26.2.
Variant type: single nucleotide variant.
Coding change: c.906-2A>G on transcript NM_194277.3 (MANE Select); the canonical splice acceptor site of the intron before coding-DNA position 906, A replaced by G.
Molecular consequence: splice acceptor variant.
Genome position (GRCh38, 1-based): chrX:132,080,268, T>C on the plus strand (A>G on the coding strand, the complement: FRMD7 is on the minus strand). VCF-style: chrX-132080268-T-C. GRCh37 (hg19) VCF-style: chrX-131214296-T-C.
Other names: c.861-2A>G (NM_001306193.2).
Identifiers: ClinVar variation 1497960 (VCV001497960.10), dbSNP rs2124212698, ClinGen allele CA414680297.

ClinVar aggregate classification (germline): Likely pathogenic. Review status: criteria provided, multiple submitters, no conflicts (2 of 4 stars). 3 submissions from 3 submitters: Likely pathogenic (3). Last evaluated 2024-02-22.

Conditions:
FRMD7-related disorders.

Submissions (3):

Labcorp Genetics (formerly Invitae), Labcorp
Classification: Likely pathogenic. Last evaluated: 2024-02-22. Review status: criteria provided, single submitter. Criteria: Invitae Variant Classification Sherloc (09022015). Collection method: clinical testing. Allele origin: germline.
Comment: This sequence change affects an acceptor splice site in intron 9 of the FRMD7 gene. It is expected to disrupt RNA splicing. Variants that disrupt the donor or acceptor splice site typically lead to a loss of protein function (PMID: 16199547), and loss-of-function variants in FRMD7 are known to be pathogenic (PMID: 17013395). This variant is not present in population databases (gnomAD no frequency). This variant has not been reported in the literature in individuals affected with FRMD7-related conditions. ClinVar contains an entry for this variant (Variation ID: 1497960). Algorithms developed to predict the effect of sequence changes on RNA splicing suggest that this variant may disrupt the consensus splice site. In summary, the currently available evidence indicates that the variant is pathogenic, but additional data are needed to prove that conclusively. Therefore, this variant has been classified as Likely Pathogenic.

GeneDx
Classification: Likely pathogenic. Last evaluated: 2023-12-12. Review status: criteria provided, single submitter. Criteria: GeneDx Variant Classification Process June 2021. Collection method: clinical testing. Allele origin: germline. Affected: yes.
Comment: Canonical splice site variant predicted to result in an in-frame loss of the adjacent exon in a gene for which loss of function is a known mechanism of disease; Not observed at significant frequency in large population cohorts (gnomAD); Has not been previously published as pathogenic or benign to our knowledge

Blueprint Genetics
Classification: Likely pathogenic for FRMD7-related disorders. Last evaluated: 2021-06-13. Review status: criteria provided, single submitter. Criteria: ACMG Guidelines, 2015. Collection method: clinical testing. Allele origin: germline. Affected: yes. Observed: 1 variant allele.

Literature cited by the submitters: PubMed 16199547 (cited by Labcorp Genetics (formerly Invitae), Labcorp); PubMed 17013395 (cited by Labcorp Genetics (formerly Invitae), Labcorp).